The following is an entry in ClinVar:

NM_003611.3(OFD1):c.1760G>A (p.Gly587Glu)

Gene: OFD1 (OFD1 centriole and centriolar satellite protein; plus strand). Cytogenetic location: Xp22.2.
Variant type: single nucleotide variant.
Coding change: c.1760G>A on transcript NM_003611.3 (MANE Select); coding-DNA position 1760, G replaced by A.
Protein change: p.Gly587Glu; replaces glycine 587 with glutamic acid.
Molecular consequence: missense variant.
Genome position (GRCh38, 1-based): chrX:13,760,220, G>A. VCF-style: chrX-13760220-G-A. GRCh37 (hg19) VCF-style: chrX-13778339-G-A.
Other names: c.1640G>A, p.Gly547Glu (NM_001330209.2); c.1340G>A, p.Gly447Glu (NM_001330210.2); short protein forms G447E, G547E, G587E.
Identifiers: ClinVar variation 2078752 (VCV002078752.4), dbSNP rs755227216, ClinGen allele CA10351885.
Genomic context (GRCh38, chrX:13,760,220, plus strand): 5'-ATCGTTCTGTCAATGGATTAATAAATGGCAATGTGGTGCCTTGCAATGGTGAGATAAGTG[G>A]GGATTTCTTGAACAATCCTTTTAAACAGGAAAACGTTCTAGCACGTATGGTTGCATCAAG-3'
Protein context (NP_003602.1, residues 577-597): NVVPCNGEIS[Gly587Glu]DFLNNPFKQE

ClinVar aggregate classification (germline): Uncertain significance (1 of 4 stars; one submission).

Conditions:
Joubert syndrome. Also called: CEREBELLOPARENCHYMAL DISORDER IV; JOUBERT-BOLTSHAUSER SYNDROME; Familial aplasia of the vermis. Identifiers: Orphanet 475, MedGen C5979921, MONDO:0018772.
Orofaciodigital syndrome I (OFD1). Also called: OFDS I; Papillon-Leage and Psaume Syndrome; Oral-Facial-Digital Syndrome Type I. Identifiers: Orphanet 2750, MedGen C1510460, MONDO:0010702, OMIM 311200.

Allele frequency attached by ClinVar (database versions not stated): gnomAD exomes below 0.00001; ExAC 0.00001; gnomAD 0.00001.
gnomAD v4.1: 3 of 1,209,813 alleles (0.00025%); highest among the groups gnomAD compares: Non-Finnish European, 0.00034%; no homozygotes.

Submission:

Labcorp Genetics (formerly Invitae), Labcorp
Classification: Uncertain significance for Orofaciodigital syndrome I; Joubert syndrome. Last evaluated: 2022-08-10. Review status: criteria provided, single submitter. Criteria: Invitae Variant Classification Sherloc (09022015). Collection method: clinical testing. Allele origin: germline.
Comment: This variant is present in population databases (rs755227216, gnomAD no frequency). This variant has not been reported in the literature in individuals affected with OFD1-related conditions. Algorithms developed to predict the effect of missense changes on protein structure and function output the following: SIFT: "Deleterious"; PolyPhen-2: "Benign"; Align-GVGD: "Class C0". The glutamic acid amino acid residue is found in multiple mammalian species, which suggests that this missense change does not adversely affect protein function. Algorithms developed to predict the effect of sequence changes on RNA splicing suggest that this variant may disrupt the consensus splice site. In summary, the available evidence is currently insufficient to determine the role of this variant in disease. Therefore, it has been classified as a Variant of Uncertain Significance. This sequence change replaces glycine, which is neutral and non-polar, with glutamic acid, which is acidic and polar, at codon 587 of the OFD1 protein (p.Gly587Glu).